The following is an entry in ClinVar:

ClinVar aggregate classification (germline): Uncertain significance. Review status: criteria provided, multiple submitters, no conflicts (2 of 4 stars). 3 submissions from 3 submitters: Uncertain significance (3). Last evaluated 2026-01-19.

Conditions:
Inborn genetic diseases. Identifiers: MedGen C0950123, MeSH D030342.

Allele frequency attached by ClinVar (database versions not stated): TOPMed 0.00002.

Submissions (3):

Dasa
Classification: Uncertain significance. Last evaluated: 2026-01-19. Review status: criteria provided, single submitter. Criteria: DASA Assertion Criteria. Collection method: clinical testing. Allele origin: germline.
Comment: NM_000400.4(ERCC2):c.1738G>A (p.Ala580Thr) is a missense variant that results in the substitution of alanine with threonine. The affected residue or protein region has prior evidence supporting clinical relevance. This variant is rare in population databases. Computational prediction algorithms are consistent with a deleterious effect. The currently available literature and clinical evidence are not sufficient to establish a definitive association between this variant and the reported condition. Therefore, this variant is classified as a variant of uncertain significance.

Labcorp Genetics (formerly Invitae), Labcorp
Classification: Uncertain significance. Last evaluated: 2022-02-19. Review status: criteria provided, single submitter. Criteria: Invitae Variant Classification Sherloc (09022015). Collection method: clinical testing. Allele origin: germline.
Comment: This sequence change replaces alanine, which is neutral and non-polar, with threonine, which is neutral and polar, at codon 580 of the ERCC2 protein (p.Ala580Thr). This variant is present in population databases (rs751318902, gnomAD 0.007%). This variant has not been reported in the literature in individuals affected with ERCC2-related conditions. Algorithms developed to predict the effect of missense changes on protein structure and function are either unavailable or do not agree on the potential impact of this missense change (SIFT: "Deleterious"; PolyPhen-2: "Probably Damaging"; Align-GVGD: "Class C0"). In summary, the available evidence is currently insufficient to determine the role of this variant in disease. Therefore, it has been classified as a Variant of Uncertain Significance.

Ambry Genetics
Classification: Uncertain significance for Inborn genetic diseases. Last evaluated: 2021-12-10. Review status: criteria provided, single submitter. Criteria: Ambry Variant Classification Scheme 2023. Collection method: clinical testing. Allele origin: germline.
Comment: The p.A580T variant (also known as c.1738G>A), located in coding exon 18 of the ERCC2 gene, results from a G to A substitution at nucleotide position 1738. The alanine at codon 580 is replaced by threonine, an amino acid with similar properties. This amino acid position is conserved. In addition, this alteration is predicted to be deleterious by in silico analysis. Since supporting evidence is limited at this time, the clinical significance of this alteration remains unclear.

NM_000400.4(ERCC2):c.1738G>A (p.Ala580Thr)

Gene: ERCC2 (ERCC excision repair 2, TFIIH core complex helicase subunit; minus strand). Cytogenetic location: 19q13.32.
Variant type: single nucleotide variant.
Coding change: c.1738G>A on transcript NM_000400.4 (MANE Select); coding-DNA position 1738, G replaced by A.
Protein change: p.Ala580Thr; replaces alanine 580 with threonine.
Molecular consequence: missense variant.
Genome position (GRCh38, 1-based): chr19:45,353,262, C>T on the plus strand (G>A on the coding strand, the complement: ERCC2 is on the minus strand). VCF-style: chr19-45353262-C-T. GRCh37 (hg19) VCF-style: chr19-45856520-C-T.
Other names: short protein forms A580T.
Identifiers: ClinVar variation 1412070 (VCV001412070.7), dbSNP rs751318902, ClinGen allele CA9513127.